The following is an entry in ClinVar:

ClinVar aggregate classification (germline): Uncertain significance. Review status: criteria provided, multiple submitters, no conflicts (2 of 4 stars). 3 submissions from 3 submitters: Uncertain significance (2). 1 of the submissions does not count toward it. Last evaluated 2023-07-26.

Conditions:
Colorectal cancer. Also called: Colorectal cancer, somatic; Malignant Colorectal Neoplasm. Identifiers: MedGen C0346629, MONDO:0005575, OMIM 114500.

Allele frequency attached by ClinVar (database versions not stated): TOPMed 0.00001.
gnomAD v4.1: 3 of 1,208,639 alleles (0.00025%); highest among the groups gnomAD compares: Admixed American, 0.0022%; no homozygotes.

Submissions (3):

Labcorp Genetics (formerly Invitae), Labcorp
Classification: Uncertain significance. Last evaluated: 2023-07-26. Review status: criteria provided, single submitter. Criteria: Invitae Variant Classification Sherloc (09022015). Collection method: clinical testing. Allele origin: germline.
Comment: In summary, the available evidence is currently insufficient to determine the role of this variant in disease. Therefore, it has been classified as a Variant of Uncertain Significance. Experimental studies and prediction algorithms are not available or were not evaluated, and the functional significance of this variant is currently unknown. ClinVar contains an entry for this variant (Variation ID: 1184137). This variant has not been reported in the literature in individuals affected with AMER1-related conditions. The frequency data for this variant in the population databases is considered unreliable, as metrics indicate poor data quality at this position in the gnomAD database. This sequence change creates a premature translational stop signal (p.Arg1049*) in the AMER1 gene. While this is not anticipated to result in nonsense mediated decay, it is expected to disrupt the last 87 amino acid(s) of the AMER1 protein.

Women's Health and Genetics/Laboratory Corporation of America, LabCorp
Classification: Uncertain significance. Last evaluated: 2022-11-16. Review status: criteria provided, single submitter. Criteria: LabCorp Variant Classification Summary - May 2015. Collection method: clinical testing. Allele origin: germline.
Comment: Variant summary: FAM123B (AMER1) c.3145C>T (p.Arg1049X) results in a premature termination codon, predicted to cause a truncation of the encoded protein or absence of the protein due to nonsense mediated decay, which are commonly known mechanisms for disease. To our knowledge, truncations downstream of this position have not been reported in the literature in individuals affected with Osteopathia Striata With Cranial Sclerosis and have not been cited in online databases (HGMD, LOVD, ClinVar). The variant allele was found at a frequency of 5.9e-06 in 170913 control chromosomes (gnomAD), including 1 hemizygote (50-55 years age range). The available data on variant occurrences in the general population are insufficient to allow any conclusion about variant significance. None of the patients was reported with features of Osteopathia Striata With Cranial Sclerosis. These reports do not provide unequivocal conclusions about association of the variant with Osteopathia Striata With Cranial Sclerosis. To our knowledge, no experimental evidence demonstrating an impact on protein function has been reported. A ClinVar submitter (evaluation after 2014) cites the variant as likely pathogenic for the condition of colorectal cancer. Based on the evidence outlined above, the variant was classified as uncertain significance for Osteopathia Striata With Cranial Sclerosis.

Division of Gastroenterology and Hepatology, Shanghai Institute of Digestive Disease, Shanghai Jiao Tong University School of Medicine.
Classification: Likely pathogenic for Colorectal cancer. Last evaluated: 2021-07-19. Review status: no assertion criteria provided. Collection method: research. Allele origin: germline. Inheritance: X-linked dominant inheritance. Affected: yes. Observed: 1 variant allele, 1 homozygote. Not counted in ClinVar's aggregate classification.
Comment: The Arg1049* variant in AMER1 has been reported in 1 Chinese family with autosomal dominant predisposition in familial colorectal cancer (CRC).

Literature cited by the submitters: PubMed 34771502 (cited by Women's Health and Genetics/Laboratory Corporation of America, LabCorp); PubMed 34549727 (cited by Women's Health and Genetics/Laboratory Corporation of America, LabCorp).

NM_152424.4(AMER1):c.3145C>T (p.Arg1049Ter)

Gene: AMER1 (APC membrane recruitment protein 1; minus strand). Cytogenetic location: Xq11.2.
Variant type: single nucleotide variant.
Coding change: c.3145C>T on transcript NM_152424.4 (MANE Select); coding-DNA position 3145, C replaced by T.
Protein change: p.Arg1049Ter; replaces arginine 1049 with a stop codon.
Molecular consequence: nonsense.
Genome position (GRCh38, 1-based): chrX:64,190,142, G>A on the plus strand (C>T on the coding strand, the complement: AMER1 is on the minus strand). VCF-style: chrX-64190142-G-A. GRCh37 (hg19) VCF-style: chrX-63410022-G-A.
Other names: short protein forms R1049*.
Identifiers: ClinVar variation 1184137 (VCV001184137.6), dbSNP rs780779666, ClinGen allele CA413301425.